The following is an entry in ClinVar:

NM_001145860.2(POP1):c.5C>G (p.Ser2Ter)

Gene: POP1 (POP1 ribonuclease P/MRP subunit; plus strand). Cytogenetic location: 8q22.2.
Variant type: single nucleotide variant.
Coding change: c.5C>G on transcript NM_001145860.2 (MANE Select); coding-DNA position 5, C replaced by G.
Protein change: p.Ser2Ter; replaces serine 2 with a stop codon.
Molecular consequence: nonsense.
Genome position (GRCh38, 1-based): chr8:98,123,342, C>G. VCF-style: chr8-98123342-C-G. GRCh37 (hg19) VCF-style: chr8-99135570-C-G.
Other names: c.5C>G, p.Ser2Ter (NM_001145861.2, NM_015029.3); short protein forms S2*.
Identifiers: ClinVar variation 2016061 (VCV002016061.4), dbSNP rs2488020334, ClinGen allele CA371784661.

ClinVar aggregate classification (germline): Pathogenic (1 of 4 stars; one submission).

Submission:

Labcorp Genetics (formerly Invitae), Labcorp
Classification: Pathogenic. Last evaluated: 2025-12-16. Review status: criteria provided, single submitter. Criteria: Invitae Variant Classification Sherloc (09022015). Collection method: clinical testing. Allele origin: germline.
Comment: This sequence change creates a premature translational stop signal (p.Ser2*) in the POP1 gene. It is expected to result in an absent or disrupted protein product. Loss-of-function variants in POP1 are known to be pathogenic (PMID: 21455487). This variant is not present in population databases (gnomAD no frequency). This variant has not been reported in the literature in individuals affected with POP1-related conditions. ClinVar contains an entry for this variant (Variation ID: 2016061). For these reasons, this variant has been classified as Pathogenic.

Literature cited by the submitters: PubMed 21455487.